The following is an entry in ClinVar:

NM_032242.4(PLXNA1):c.2103C>T (p.Asn701=)

Gene: PLXNA1 (plexin A1; plus strand). Cytogenetic location: 3q21.3.
Variant type: single nucleotide variant.
Coding change: c.2103C>T on transcript NM_032242.4 (MANE Select); coding-DNA position 2103, C replaced by T.
Protein change: p.Asn701=; no amino-acid change (asparagine 701 retained).
Molecular consequence: synonymous variant.
Genome position (GRCh38, 1-based): chr3:127,007,904, C>T. VCF-style: chr3-127007904-C-T. GRCh37 (hg19) VCF-style: chr3-126726747-C-T.
Identifiers: ClinVar variation 3421110 (VCV003421110.2).

ClinVar aggregate classification (germline): Likely benign. Review status: criteria provided, multiple submitters, no conflicts (2 of 4 stars). 2 submissions from 2 submitters: Likely benign (2). Last evaluated 2025-03-01.

Conditions:
PLXNA1-related disorder. Also called: PLXNA1-related condition.

gnomAD v4.1: 27 of 1,609,448 alleles (0.0017%); highest among the groups gnomAD compares: East Asian, 0.011%; no homozygotes.

Submissions (2):

PreventionGenetics, part of Exact Sciences
Classification: Likely benign for PLXNA1-related condition. Last evaluated: 2025-03-01. Review status: criteria provided, single submitter. Criteria: ACMG Guidelines, 2015. Collection method: clinical testing. Allele origin: germline.
Comment: This variant is classified as likely benign based on ACMG/AMP sequence variant interpretation guidelines (Richards et al. 2015 PMID: 25741868, with internal and published modifications).

Ambry Genetics
Classification: Likely benign. Last evaluated: 2024-10-09. Review status: criteria provided, single submitter. Criteria: Ambry Variant Classification Scheme 2023. Collection method: clinical testing. Allele origin: germline.